The following is an entry in ClinVar:

NM_000238.4(KCNH2):c.1312G>T (p.Glu438Ter)

Gene: KCNH2 (potassium voltage-gated channel subfamily H member 2; minus strand). Cytogenetic location: 7q36.1.
Variant type: single nucleotide variant.
Coding change: c.1312G>T on transcript NM_000238.4 (MANE Select); coding-DNA position 1312, G replaced by T.
Protein change: p.Glu438Ter; replaces glutamic acid 438 with a stop codon.
Molecular consequence: nonsense. On other transcripts: non-coding transcript variant (2).
Genome position (GRCh38, 1-based): chr7:150,952,670, C>A on the plus strand (G>T on the coding strand, the complement: KCNH2 is on the minus strand). VCF-style: chr7-150952670-C-A. GRCh37 (hg19) VCF-style: chr7-150649758-C-A.
Other names: c.292G>T, p.Glu98Ter (NM_001204798.2, NM_172057.3); c.1024G>T, p.Glu342Ter (NM_001406753.1, NM_001406756.1); c.1135G>T, p.Glu379Ter (NM_001406755.1); c.1012G>T, p.Glu338Ter (NM_001406757.1); c.1312G>T, p.Glu438Ter (NM_172056.3); short protein forms E338*, E98*, E342*, E379*, E438*.
Identifiers: ClinVar variation 4898417 (VCV004898417.2).

ClinVar aggregate classification (germline): Pathogenic/Likely pathogenic. Review status: criteria provided, multiple submitters, no conflicts (2 of 4 stars). 2 submissions from 2 submitters: Pathogenic (1); Likely pathogenic (1). Last evaluated 2026-08-14.

Conditions:
Cardiovascular phenotype. Identifiers: MedGen CN230736.
KCNH2-related disorder. Also called: KCNH2-related disorders; KCNH2-related condition.

gnomAD v4.1: 1 of 1,614,226 alleles (0.000062%); no homozygotes.

Submissions (2):

Ambry Genetics
Classification: Pathogenic for Cardiovascular phenotype. Last evaluated: 2026-08-14. Review status: criteria provided, single submitter. Criteria: Ambry Variant Classification Scheme 2023. Collection method: clinical testing. Allele origin: germline.
Comment: The p.E438* pathogenic mutation (also known as c.1312G>T), located in coding exon 6 of the KCNH2 gene, results from a G to T substitution at nucleotide position 1312. This changes the amino acid from a glutamic acid to a stop codon within coding exon 6. This variant was reported in individual(s) with features consistent with long QT syndrome (Ambry internal data). This variant is considered to be rare based on population cohorts in the Genome Aggregation Database (gnomAD). This alteration is expected to result in loss of function by premature protein truncation or nonsense-mediated mRNA decay. As such, this alteration is interpreted as a disease-causing mutation.

Blueprint Genetics
Classification: Likely pathogenic for KCNH2-related disorders. Last evaluated: 2019-09-10. Review status: criteria provided, single submitter. Criteria: ACMG Guidelines, 2015. Collection method: clinical testing. Allele origin: germline. Affected: yes. Observed: 4 variant alleles.